The following is an entry in ClinVar:

ClinVar aggregate classification (germline): Pathogenic (1 of 4 stars; one submission).

Submission:

CeGaT Center for Human Genetics Tuebingen
Classification: Pathogenic. Last evaluated: 2024-11-01. Review status: criteria provided, single submitter. Criteria: CeGaT Center For Human Genetics Tuebingen Variant Classification Criteria Version 2. Collection method: clinical testing. Allele origin: germline. Affected: yes. Observed: 1 variant allele.
Comment: FOXN1: PVS1, PM2

NM_001369369.1(FOXN1):c.1178del (p.Gly393fs)

Gene: FOXN1 (forkhead box N1; plus strand). Cytogenetic location: 17q11.2.
Variant type: Deletion.
Coding change: c.1178del on transcript NM_001369369.1 (MANE Select); coding-DNA position 1178, one base deleted (G; older notation c.1178delG).
Protein change: p.Gly393fs; shifts the reading frame from glycine 393.
Molecular consequence: frameshift variant.
Genome position (GRCh38, 1-based): chr17:28,534,749, G deleted; the last of 3 consecutive G bases (chr17:28,534,747-28,534,749); deleting any one gives the same sequence. VCF-style (leftmost placement, unchanged base first): chr17-28534746-TG-T. GRCh37 (hg19) VCF-style: chr17-26861764-TG-T.
Other names: c.1178del, p.Gly393fs (NM_003593.3); short protein forms G393fs.
Identifiers: ClinVar variation 3389391 (VCV003389391.14).
Genomic context (GRCh38, chr17:28,534,746, plus strand): 5'-TTTCTCTCTTGGGCCTTTCAGAAGAGCTGGACAGCCTCATTGGAGACAAGAGAGAAAAGC[TG>T]GGCTCCCCACTCCTGGGCTGTCCGCCCCCTGGGCTGTCCGGCTCAGGCCCCATCCGGCCC-3'